The following is an entry in ClinVar:

ClinVar aggregate classification (germline): Uncertain significance (1 of 4 stars; one submission).

Allele frequency attached by ClinVar (database versions not stated): gnomAD exomes below 0.00001; TOPMed below 0.00001.
gnomAD v4.1: 2 of 1,196,869 alleles (0.00017%); highest among the groups gnomAD compares: Non-Finnish European, 0.00023%; no homozygotes.

Submission:

CeGaT Center for Human Genetics Tuebingen
Classification: Uncertain significance. Last evaluated: 2023-10-01. Review status: criteria provided, single submitter. Criteria: CeGaT Center For Human Genetics Tuebingen Variant Classification Criteria Version 2. Collection method: clinical testing. Allele origin: germline. Affected: yes. Observed: 2 variant alleles.
Comment: IKBKG: PM2, BP4

NM_001099857.5(IKBKG):c.94C>T (p.Pro32Ser)

Gene: IKBKG (inhibitor of nuclear factor kappa B kinase regulatory subunit gamma; plus strand). Cytogenetic location: Xq28.
Variant type: single nucleotide variant.
Coding change: c.94C>T on transcript NM_001099857.5 (MANE Select); coding-DNA position 94, C replaced by T.
Protein change: p.Pro32Ser; replaces proline 32 with serine.
Molecular consequence: missense variant. On other transcripts: non-coding transcript variant (1).
Genome position (GRCh38, 1-based): chrX:154,552,096, C>T. VCF-style: chrX-154552096-C-T. GRCh37 (hg19) VCF-style: chrX-153780311-C-T.
Other names: c.298C>T, p.Pro100Ser (NM_001099856.6); c.94C>T, p.Pro32Ser (NM_001145255.4, NM_001321396.3, NM_001321397.3 and 5 more transcripts); short protein forms P100S, P32S.
Identifiers: ClinVar variation 2661854 (VCV002661854.24), dbSNP rs2070948768, ClinGen allele CA415205653.